The following is an entry in ClinVar:

NM_001384474.1(LOXHD1):c.6794C>T (p.Thr2265Ile)

Gene: LOXHD1 (lipoxygenase homology PLAT domains 1; minus strand). Cytogenetic location: 18q21.1.
Variant type: single nucleotide variant.
Coding change: c.6794C>T on transcript NM_001384474.1 (MANE Select); coding-DNA position 6794, C replaced by T.
Protein change: p.Thr2265Ile; replaces threonine 2265 with isoleucine.
Molecular consequence: missense variant. On other transcripts: intron variant (3).
Genome position (GRCh38, 1-based): chr18:46,477,500, G>A on the plus strand (C>T on the coding strand, the complement: LOXHD1 is on the minus strand). VCF-style: chr18-46477500-G-A. GRCh37 (hg19) VCF-style: chr18-44057463-G-A.
Other names: c.1511C>T, p.Thr504Ile (NM_001145473.3); c.6608C>T, p.Thr2203Ile (NM_144612.7); c.3307+154C>T (NM_001145472.3); c.3033+140C>T (NM_001308013.2); c.1371+140C>T (NM_001173129.2); short protein forms T2203I, T504I, T2265I.
Identifiers: ClinVar variation 2801991 (VCV002801991.3), dbSNP rs546013887, ClinGen allele CA402362161.
Genomic context (GRCh38, chr18:46,477,500, plus strand): 5'-CATCTCAGTGAGAGGGTGGGGGCCCTAGCCCCTCAGACAGAAGGGAAGAGGTCTCTCCAG[G>A]TGAGTCCATCCCCCCGCTTCTTGTCCAGCCACCTGCCACAGTTGAAGATGGTGGCCACGC-3'
Protein context (NP_001371403.1, residues 2255-2273): WLDKKRGDGL[Thr2265Ile]WRDLFPSV

ClinVar aggregate classification (germline): Uncertain significance (1 of 4 stars; one submission).

Allele frequency attached by ClinVar (database versions not stated): gnomAD exomes below 0.00001.
gnomAD v4.1: 1 of 1,550,364 alleles (0.000065%); highest among the groups gnomAD compares: South Asian, 0.0012%; no homozygotes.

Submission:

Labcorp Genetics (formerly Invitae), Labcorp
Classification: Uncertain significance. Last evaluated: 2024-10-15. Review status: criteria provided, single submitter. Criteria: Invitae Variant Classification Sherloc (09022015). Collection method: clinical testing. Allele origin: germline.
Comment: This sequence change replaces threonine, which is neutral and polar, with isoleucine, which is neutral and non-polar, at codon 2203 of the LOXHD1 protein (p.Thr2203Ile). This variant is not present in population databases (gnomAD no frequency). This variant has not been reported in the literature in individuals affected with LOXHD1-related conditions. An algorithm developed to predict the effect of missense changes on protein structure and function (PolyPhen-2) suggests that this variant is likely to be tolerated. In summary, the available evidence is currently insufficient to determine the role of this variant in disease. Therefore, it has been classified as a Variant of Uncertain Significance.